The following is an entry in ClinVar:

ClinVar aggregate classification (germline): Conflicting classifications of pathogenicity. Review status: criteria provided, conflicting classifications (1 of 4 stars). 10 submissions from 7 submitters: Uncertain significance (4); Likely benign (6). Last evaluated 2025-12-17.

Conditions:
Congenital myopathy 18. Also called: DIHYDROPYRIDINE RECEPTOR CONGENITAL MYOPATHY; DHPR CONGENITAL MYOPATHY; Myopathy, congenital, due to dihydropyridine receptor defect. Identifiers: MedGen C5830283, MONDO:0859514, OMIM 620246.
Hypokalemic periodic paralysis, type 1. Also called: Hypokalemic Periodic Paralysis Type 1 (AD); HypoPP. Identifiers: Orphanet 681, MedGen C3714580, MONDO:0042979, OMIM 170400.
Malignant hyperthermia, susceptibility to, 5 (MHS5). Also called: CACNA1S-Related Malignant Hyperthermia Susceptibility. Identifiers: Orphanet 423, MedGen C1866077, MONDO:0011163, OMIM 601887.
Thyrotoxic periodic paralysis, susceptibility to, 1 (TTPP1). Identifiers: Orphanet 79102, MedGen C2749982, MONDO:0008570, OMIM 188580.

Allele frequency attached by ClinVar (database versions not stated): gnomAD 0.00004; TOPMed 0.00005; ESP Exome Variant Server 0.00008.
gnomAD v4.1: 84 of 1,614,068 alleles (0.0052%); highest among the groups gnomAD compares: African/African-American, 0.0067%; no homozygotes.

Submissions (10):

Color Diagnostics, LLC DBA Color Health
Classification: Uncertain significance for Malignant hyperthermia, susceptibility to, 5. Last evaluated: 2025-12-17. Review status: criteria provided, single submitter. Criteria: ACMG Guidelines, 2015. Collection method: clinical testing. Allele origin: germline.
Comment: This missense variant replaces valine with isoleucine at codon 297 of the CACNA1S protein. Computational prediction is inconclusive regarding the impact of this variant on protein structure and function. To our knowledge, functional studies have not been reported for this variant. This variant has not been reported in individuals affected with CACNA1S-related disorders in the literature. This variant has been identified in 84/1614068 chromosomes in the general population by the Genome Aggregation Database (gnomAD). The available evidence is insufficient to determine the role of this variant in disease conclusively. Therefore, this variant is classified as a Variant of Uncertain Significance.

Labcorp Genetics (formerly Invitae), Labcorp
Classification: Likely benign for Hypokalemic periodic paralysis, type 1; Malignant hyperthermia, susceptibility to, 5. Last evaluated: 2025-05-25. Review status: criteria provided, single submitter. Criteria: Invitae Variant Classification Sherloc (09022015). Collection method: clinical testing. Allele origin: germline.

All of Us Research Program, National Institutes of Health
Classification: Uncertain significance for Malignant hyperthermia, susceptibility to, 5. Last evaluated: 2024-09-23. Review status: criteria provided, single submitter. Criteria: ACMG Guidelines, 2015. Collection method: clinical testing. Allele origin: germline. Inheritance: Autosomal dominant inheritance. Observed: 11 variant alleles, 11 heterozygotes.
Comment: This missense variant replaces valine with isoleucine at codon 297 of the CACNA1S protein. Computational prediction is inconclusive regarding the impact of this variant on protein structure and function (internally defined REVEL score threshold 0.5 < inconclusive < 0.7, PMID: 27666373). To our knowledge, functional studies have not been reported for this variant. This variant has not been reported in individuals affected with CACNA1S-related disorders in the literature. This variant has been identified in 10/282688 chromosomes in the general population by the Genome Aggregation Database (gnomAD). The available evidence is insufficient to determine the role of this variant in disease conclusively. Therefore, this variant is classified as a Variant of Uncertain Significance.

This study involves interpretation of variants in research participants for the purpose of population health screening. Participant phenotype was not available at the time of variant classification. Additional details can be found in publication PMID: 35346344, PMCID: PMC8962531

Fulgent Genetics
Classification: Uncertain significance for Hypokalemic periodic paralysis, type 1; Thyrotoxic periodic paralysis, susceptibility to, 1; Malignant hyperthermia, susceptibility to, 5; Congenital myopathy 18. Last evaluated: 2024-01-29. Review status: criteria provided, single submitter. Criteria: ACMG Guidelines, 2015. Collection method: clinical testing. Allele origin: germline.

Genome-Nilou Lab
Classification: Likely benign for Malignant hyperthermia, susceptibility to, 5. Last evaluated: 2023-04-11. Review status: criteria provided, single submitter. Criteria: ACMG Guidelines, 2015. Collection method: clinical testing. Allele origin: germline. Affected: no.

Genome-Nilou Lab
Classification: Likely benign for Thyrotoxic periodic paralysis, susceptibility to, 1. Last evaluated: 2023-04-11. Review status: criteria provided, single submitter. Criteria: ACMG Guidelines, 2015. Collection method: clinical testing. Allele origin: germline. Affected: no.

Genome-Nilou Lab
Classification: Likely benign for Congenital myopathy 18. Last evaluated: 2023-04-11. Review status: criteria provided, single submitter. Criteria: ACMG Guidelines, 2015. Collection method: clinical testing. Allele origin: germline. Affected: no.

Genome-Nilou Lab
Classification: Likely benign for Hypokalemic periodic paralysis, type 1. Last evaluated: 2023-04-11. Review status: criteria provided, single submitter. Criteria: ACMG Guidelines, 2015. Collection method: clinical testing. Allele origin: germline. Affected: no.

Department of Pathology and Laboratory Medicine, Sinai Health System
Classification: Uncertain significance for malignant hyperthermia, susceptibility to, 5. Last evaluated: 2022-02-28. Review status: criteria provided, single submitter. Criteria: ACMG Guidelines, 2015. Collection method: research. Allele origin: germline.

Illumina Laboratory Services, Illumina
Classification: Likely benign for Hypokalemic periodic paralysis, type 1. Last evaluated: 2018-01-12. Review status: criteria provided, single submitter. Criteria: ICSL Variant Classification Criteria 13 December 2019. Collection method: clinical testing. Allele origin: germline.
Comment: This variant was observed in the ICSL laboratory as part of a predisposition screen in an ostensibly healthy population. It had not been previously curated by ICSL or reported in the Human Gene Mutation Database (HGMD: prior to June 1st, 2018), and was therefore a candidate for classification through an automated scoring system. Utilizing variant allele frequency, disease prevalence and penetrance estimates, and inheritance mode, an automated score was calculated to assess if this variant is too frequent to cause the disease. Based on the score and internal cut-off values, a variant classified as likely benign is not then subjected to further curation. The score for this variant resulted in a classification of likely benign for this disease.

NM_000069.3(CACNA1S):c.889G>A (p.Val297Ile)

Gene: CACNA1S (calcium voltage-gated channel subunit alpha1 S; minus strand). Cytogenetic location: 1q32.1.
Variant type: single nucleotide variant.
Coding change: c.889G>A on transcript NM_000069.3 (MANE Select); coding-DNA position 889, G replaced by A.
Protein change: p.Val297Ile; replaces valine 297 with isoleucine.
Molecular consequence: missense variant.
Genome position (GRCh38, 1-based): chr1:201,089,269, C>T on the plus strand (G>A on the coding strand, the complement: CACNA1S is on the minus strand). VCF-style: chr1-201089269-C-T. GRCh37 (hg19) VCF-style: chr1-201058397-C-T.
Other names: short protein forms V297I.
Identifiers: ClinVar variation 294772 (VCV000294772.18), dbSNP rs138205421, ClinGen allele CA084030.
Genomic context (GRCh38, chr1:201,089,269, plus strand): 5'-AGCCTGTGGATGAAGGGAGATGGTTCTGCAGGCGCGGGCCCAGACCCACCCAGTAAAGGA[C>T]GTCAGTCCATCCCTCCATGGTAATGCACTGGTACACGGTGAGCATGGAGAAGCCGAAGTT-3'
Protein context (NP_000060.2, residues 287-307): QCITMEGWTD[Val297Ile]LYWVNDAIGN